The following is an entry in ClinVar:

ClinVar aggregate classification (germline): Uncertain significance (1 of 4 stars; one submission).

Conditions:
Ataxia-telangiectasia syndrome (AT). Also called: ATAXIA-TELANGIECTASIA, COMPLEMENTATION GROUP A; ATAXIA-TELANGIECTASIA, FRESNO VARIANT; Ataxia-telangiectasia; Ataxia-telangiectasia, complementation group E; Ataxia telangiectasia (A-T); LOUIS-BAR SYNDROME. Identifiers: Orphanet 100, MedGen C0004135, MONDO:0008840, OMIM 208900.

Submission:

Labcorp Genetics (formerly Invitae), Labcorp
Classification: Uncertain significance for Ataxia-telangiectasia syndrome. Last evaluated: 2024-10-23. Review status: criteria provided, single submitter. Criteria: Invitae Variant Classification Sherloc (09022015). Collection method: clinical testing. Allele origin: germline.
Comment: This sequence change replaces phenylalanine, which is neutral and non-polar, with leucine, which is neutral and non-polar, at codon 1837 of the ATM protein (p.Phe1837Leu). This variant is not present in population databases (gnomAD no frequency). This variant has not been reported in the literature in individuals affected with ATM-related conditions. Invitae Evidence Modeling of protein sequence and biophysical properties (such as structural, functional, and spatial information, amino acid conservation, physicochemical variation, residue mobility, and thermodynamic stability) indicates that this missense variant is not expected to disrupt ATM protein function with a negative predictive value of 95%. In summary, the available evidence is currently insufficient to determine the role of this variant in disease. Therefore, it has been classified as a Variant of Uncertain Significance.

NM_000051.4(ATM):c.5511T>A (p.Phe1837Leu)

Gene: ATM (ATM serine/threonine kinase; plus strand). Cytogenetic location: 11q22.3.
Variant type: single nucleotide variant.
Coding change: c.5511T>A on transcript NM_000051.4 (MANE Select); coding-DNA position 5511, T replaced by A.
Protein change: p.Phe1837Leu; replaces phenylalanine 1837 with leucine.
Molecular consequence: missense variant.
Genome position (GRCh38, 1-based): chr11:108,304,689, T>A. VCF-style: chr11-108304689-T-A. GRCh37 (hg19) VCF-style: chr11-108175416-T-A.
Other names: c.5511T>A, p.Phe1837Leu (NM_001351834.2); short protein forms F1837L.
Identifiers: ClinVar variation 3720461 (VCV003720461.2).